The following is an entry in ClinVar:

NM_001166271.3(SPATA13):c.2634G>C (p.Arg878=)

Gene: SPATA13 (spermatogenesis associated 13; plus strand). Cytogenetic location: 13q12.12.
Variant type: single nucleotide variant.
Coding change: c.2634G>C on transcript NM_001166271.3 (MANE Select); coding-DNA position 2634, G replaced by C.
Protein change: p.Arg878=; no amino-acid change (arginine 878 retained).
Molecular consequence: synonymous variant. On other transcripts: intron variant (1).
Genome position (GRCh38, 1-based): chr13:24,286,917, G>C. VCF-style: chr13-24286917-G-C. GRCh37 (hg19) VCF-style: chr13-24861055-G-C.
Other names: c.2820G>C, p.Arg940= (NM_001286792.2); c.591G>C, p.Arg197= (NM_001286794.2); c.525G>C, p.Arg175= (NM_001286795.2); c.759G>C, p.Arg253= (NM_153023.4); c.372+524G>C (NM_001286793.2).
Identifiers: ClinVar variation 3043198 (VCV003043198.2), dbSNP rs1875993202, ClinGen allele CA482950924.

ClinVar aggregate classification (germline): Likely benign (0 of 4 stars; one submission).

Conditions:
SPATA13-related disorder. Also called: SPATA13-related condition.

Allele frequency attached by ClinVar (database versions not stated): TOPMed below 0.00001.

Submission:

PreventionGenetics, part of Exact Sciences
Classification: Likely benign for SPATA13-related condition. Last evaluated: 2019-06-25. Review status: no assertion criteria provided. Collection method: clinical testing. Allele origin: germline.
Comment: This variant is classified as likely benign based on ACMG/AMP sequence variant interpretation guidelines (Richards et al. 2015 PMID: 25741868, with internal and published modifications).